The following is an entry in ClinVar:

NM_000264.5(PTCH1):c.1997C>T (p.Thr666Met)

Genes: PTCH1 (patched 1; minus strand), LOC100507346 (uncharacterized LOC100507346; plus strand). Cytogenetic location: 9q22.32.
Variant type: single nucleotide variant.
Coding change: c.1997C>T on transcript NM_000264.5 (MANE Select); coding-DNA position 1997, C replaced by T.
Protein change: p.Thr666Met; replaces threonine 666 with methionine.
Molecular consequence: missense variant. On other transcripts: non-coding transcript variant (2).
Genome position (GRCh38, 1-based): chr9:95,469,004, G>A on the plus strand (C>T on the coding strand, the complement: PTCH1 is on the minus strand). VCF-style: chr9-95469004-G-A. GRCh37 (hg19) VCF-style: chr9-98231286-G-A.
Other names: c.1799C>T, p.Thr600Met (NM_001083602.3); c.1994C>T, p.Thr665Met (NM_001083603.3); c.1544C>T, p.Thr515Met (NM_001083604.3, NM_001083605.3, NM_001083606.3 and 1 more transcripts); c.1841C>T, p.Thr614Met (NM_001354918.2); short protein forms T665M, T666M, T600M, T515M, T614M.
Identifiers: ClinVar variation 820499 (VCV000820499.18), dbSNP rs752043221, ClinGen allele CA5138467.
Genomic context (GRCh38, chr9:95,469,004, plus strand): 5'-GAGATCTCGGAGCGCGGCTCAGCGGTGGTGTAGTACACGTGCGTGTGGGGGTCGTACTCC[G>A]TGCGGAGCTGGACAGTGGACTGCATGGTAATCTGCGTTTCATGGGCAAAGCTGTGGCTGC-3'
Protein context (NP_000255.2, residues 656-676): ITMQSTVQLR[Thr666Met]EYDPHTHVYY

ClinVar aggregate classification (germline): Conflicting classifications of pathogenicity. Review status: criteria provided, conflicting classifications (1 of 4 stars). 4 submissions from 4 submitters: Uncertain significance (3); Likely benign (1). Last evaluated 2026-02-24.

Conditions:
PTCH1-related disorder. Also called: PTCH1-related disorders; PTCH1-related condition.
Hereditary cancer-predisposing syndrome. Also called: Neoplastic Syndromes, Hereditary; Hereditary Cancer Syndrome; Tumor predisposition; Hereditary neoplastic syndrome. Identifiers: Orphanet 140162, MedGen C0027672, MeSH D009386, MONDO:0015356.
Gorlin syndrome. Also called: Basal cell nevus syndrome; Nevoid Basal Cell Carcinoma Syndrome. Identifiers: Orphanet 377, MedGen C0004779, MONDO:0007187.

Allele frequency attached by ClinVar (database versions not stated): ExAC 0.00001; gnomAD exomes 0.00001 and 0.00002; TOPMed 0.00001.
gnomAD v4.1: 30 of 1,614,066 alleles (0.0019%); highest among the groups gnomAD compares: Non-Finnish European, 0.0024%; no homozygotes.

Submissions (4):

PreventionGenetics, part of Exact Sciences
Classification: Uncertain significance for PTCH1-related condition. Last evaluated: 2026-02-24. Review status: criteria provided, single submitter. Criteria: ACMG Guidelines, 2015. Collection method: clinical testing. Allele origin: germline.
Comment: The PTCH1 c.1997C>T variant is predicted to result in the amino acid substitution p.Thr666Met. This variant was reported in an individual with pediatric hepatoblastoma; however, this patient also harbored a potentially pathogenic variant in the VHL gene (Patient 22 (P22) in Tables 2 and 3, Aguiar et al. 2022. PubMed ID: 35495172). This variant is reported in 0.0029% of alleles in individuals of Latino descent in gnomAD and has classifications in the ClinVar database ranging from uncertain to likely benign (Variation ID: 820499). At this time, the clinical significance of this variant is uncertain due to the absence of conclusive functional and genetic evidence.

Labcorp Genetics (formerly Invitae), Labcorp
Classification: Likely benign for Gorlin syndrome. Last evaluated: 2026-01-18. Review status: criteria provided, single submitter. Criteria: Invitae Variant Classification Sherloc (09022015). Collection method: clinical testing. Allele origin: germline.

GeneDx
Classification: Uncertain significance. Last evaluated: 2025-01-07. Review status: criteria provided, single submitter. Criteria: GeneDx Variant Classification Process June 2021. Collection method: clinical testing. Allele origin: germline. Affected: yes.
Comment: In silico analysis supports that this missense variant has a deleterious effect on protein structure/function; Observed in an individual with hepatoblastoma in published literature (PMID: 35495172); This variant is associated with the following publications: (PMID: 35495172, 11331587)

Ambry Genetics
Classification: Uncertain significance for Hereditary cancer-predisposing syndrome. Last evaluated: 2024-06-12. Review status: criteria provided, single submitter. Criteria: Ambry Variant Classification Scheme 2023. Collection method: clinical testing. Allele origin: germline.
Comment: The p.T666M variant (also known as c.1997C>T), located in coding exon 14 of the PTCH1 gene, results from a C to T substitution at nucleotide position 1997. The threonine at codon 666 is replaced by methionine, an amino acid with similar properties. This variant has been detected in multiple individuals with no reported features of nevoid basal cell carcinoma syndrome (Ambry internal data). This amino acid position is highly conserved in available vertebrate species. In addition, this alteration is predicted to be deleterious by in silico analysis. Based on the available evidence, the clinical significance of this variant remains unclear.